The following is an entry in ClinVar:

NM_020975.6(RET):c.2493C>T (p.Gly831=)

Gene: RET (ret proto-oncogene; plus strand). Cytogenetic location: 10q11.21.
Variant type: single nucleotide variant.
Coding change: c.2493C>T on transcript NM_020975.6 (MANE Select); coding-DNA position 2493, C replaced by T.
Protein change: p.Gly831=; no amino-acid change (glycine 831 retained).
Molecular consequence: synonymous variant.
Genome position (GRCh38, 1-based): chr10:43,119,631, C>T. VCF-style: chr10-43119631-C-T. GRCh37 (hg19) VCF-style: chr10-43615079-C-T.
Other names: c.2493C>T, p.Gly831= (NM_000323.2, NM_001406743.1, NM_001406744.1 and 4 more transcripts); c.1731C>T, p.Gly577= (NM_001355216.2); c.2364C>T, p.Gly788= (NM_001406761.1, NM_001406762.1, NM_001406764.1); c.2358C>T, p.Gly786= (NM_001406763.1, NM_001406765.1); c.2205C>T, p.Gly735= (NM_001406766.1, NM_001406767.1, NM_001406770.1); c.2229C>T, p.Gly743= (NM_001406768.1); c.2097C>T, p.Gly699= (NM_001406769.1, NM_001406772.1); c.2055C>T, p.Gly685= (NM_001406771.1, NM_001406773.1); and 10 more.
Identifiers: ClinVar variation 1792106 (VCV001792106.7), dbSNP rs1235438710, ClinGen allele CA469479951.

ClinVar aggregate classification (germline): Conflicting classifications of pathogenicity. Review status: criteria provided, conflicting classifications (1 of 4 stars). 4 submissions from 4 submitters: Uncertain significance (1); Likely benign (3). Last evaluated 2025-07-14.

Conditions:
Multiple endocrine neoplasia, type 2 (MEN2). Identifiers: Orphanet 653, MedGen C4048306, MONDO:0019003. Disease mechanism: gain of function.
Hereditary cancer-predisposing syndrome. Also called: Hereditary Cancer Syndrome; Hereditary neoplastic syndrome; Tumor predisposition; Neoplastic Syndromes, Hereditary. Identifiers: Orphanet 140162, MedGen C0027672, MeSH D009386, MONDO:0015356.

Submissions (4):

Color Diagnostics, LLC DBA Color Health
Classification: Likely benign for Multiple endocrine neoplasia, type 2. Last evaluated: 2025-07-14. Review status: criteria provided, single submitter. Criteria: ACMG Guidelines, 2015. Collection method: clinical testing. Allele origin: germline.

Labcorp Genetics (formerly Invitae), Labcorp
Classification: Likely benign for Multiple endocrine neoplasia, type 2. Last evaluated: 2024-02-23. Review status: criteria provided, single submitter. Criteria: Invitae Variant Classification Sherloc (09022015). Collection method: clinical testing. Allele origin: germline.

GeneDx
Classification: Uncertain significance. Last evaluated: 2023-12-18. Review status: criteria provided, single submitter. Criteria: GeneDx Variant Classification Process June 2021. Collection method: clinical testing. Allele origin: germline. Affected: yes.
Comment: Not observed at significant frequency in large population cohorts (gnomAD); In silico analysis supports that this variant does not alter splicing; Has not been previously published as pathogenic or benign to our knowledge

Ambry Genetics
Classification: Likely benign for Hereditary cancer-predisposing syndrome. Last evaluated: 2020-01-24. Review status: criteria provided, single submitter. Criteria: Ambry Variant Classification Scheme 2023. Collection method: clinical testing. Allele origin: germline.